The following is an entry in ClinVar:

ClinVar aggregate classification (germline): Benign/Likely benign. Review status: criteria provided, multiple submitters, no conflicts (2 of 4 stars). 2 submissions from 2 submitters: Benign (1); Likely benign (1). Last evaluated 2024-08-28.

Conditions:
Familial cancer of breast. Also called: BREAST CANCER, FAMILIAL; Hereditary breast cancer; hereditary breast carcinoma. Identifiers: Orphanet 227535, MedGen C0346153, MONDO:0016419, OMIM 114480. Disease mechanism: loss of function.
Fanconi anemia complementation group J. Also called: BRIP1-Related Fanconi Anemia. Identifiers: Orphanet 84, MedGen C1836860, MONDO:0012187, OMIM 609054.

Allele frequency attached by ClinVar (database versions not stated): gnomAD exomes below 0.00001.
gnomAD v4.1: 1 of 1,613,938 alleles (0.000062%); highest among the groups gnomAD compares: Admixed American, 0.0017%; no homozygotes.

Submissions (2):

Myriad Genetics, Inc.
Classification: Benign for Familial cancer of breast. Last evaluated: 2024-08-28. Review status: criteria provided, single submitter. Criteria: Myriad Autosomal Dominant, Autosomal Recessive and X-Linked Classification Criteria (2023). Collection method: clinical testing. Allele origin: unknown.
Comment: This variant is considered benign. This variant is a silent/synonymous amino acid change and it is not expected to impact splicing.

Labcorp Genetics (formerly Invitae), Labcorp
Classification: Likely benign for Familial cancer of breast; Fanconi anemia complementation group J. Last evaluated: 2023-06-14. Review status: criteria provided, single submitter. Criteria: Invitae Variant Classification Sherloc (09022015). Collection method: clinical testing. Allele origin: germline.

NM_032043.3(BRIP1):c.1647A>G (p.Lys549=)

Gene: BRIP1 (BRCA1 interacting DNA helicase 1; minus strand). Cytogenetic location: 17q23.2.
Variant type: single nucleotide variant.
Coding change: c.1647A>G on transcript NM_032043.3 (MANE Select); coding-DNA position 1647, A replaced by G.
Protein change: p.Lys549=; no amino-acid change (lysine 549 retained).
Molecular consequence: synonymous variant.
Genome position (GRCh38, 1-based): chr17:61,780,987, T>C on the plus strand (A>G on the coding strand, the complement: BRIP1 is on the minus strand). VCF-style: chr17-61780987-T-C. GRCh37 (hg19) VCF-style: chr17-59858348-T-C.
Identifiers: ClinVar variation 2948831 (VCV002948831.4), dbSNP rs1349098933, ClinGen allele CA501150586.
Genomic context (GRCh38, chr17:61,780,987, plus strand): 5'-CCCATTTTTGTCTGAAATATCAATCTGATTTGTCCAGGAGTAAGTCTGTTGAATCGCAAT[T>C]TTATAATCATCTGCAAATCTAGATGCAAAGAAAGTGCTAATTAAGTGGCAAAACTTTTAA-3'
Protein context (NP_114432.2, residues 539-559): RQNSRFADDY[Lys549=]IAIQQTYSWT